The following is an entry in ClinVar:

ClinVar aggregate classification (germline): Uncertain significance. Review status: criteria provided, multiple submitters, no conflicts (2 of 4 stars). 2 submissions from 2 submitters: Uncertain significance (2). Last evaluated 2021-05-30.

Conditions:
Tuberous sclerosis 2 (TSC2). Identifiers: Orphanet 805, MedGen C1860707, MONDO:0013199, OMIM 613254.

Submissions (2):

Labcorp Genetics (formerly Invitae), Labcorp
Classification: Uncertain significance for Tuberous sclerosis 2. Last evaluated: 2021-05-30. Review status: criteria provided, single submitter. Criteria: Invitae Variant Classification Sherloc (09022015). Collection method: clinical testing. Allele origin: germline.
Comment: This sequence change replaces glycine with valine at codon 402 of the TSC2 protein (p.Gly402Val). The glycine residue is highly conserved and there is a moderate physicochemical difference between glycine and valine. This variant is not present in population databases (ExAC no frequency). This variant has not been reported in the literature in individuals with TSC2-related conditions. ClinVar contains an entry for this variant (Variation ID: 449637). Advanced modeling of protein sequence and biophysical properties (such as structural, functional, and spatial information, amino acid conservation, physicochemical variation, residue mobility, and thermodynamic stability) performed at Invitae indicates that this missense variant is not expected to disrupt TSC2 protein function. In summary, the available evidence is currently insufficient to determine the role of this variant in disease. Therefore, it has been classified as a Variant of Uncertain Significance.

GeneDx
Classification: Uncertain significance. Last evaluated: 2017-08-23. Review status: criteria provided, single submitter. Criteria: GeneDx Variant Classification (06012015). Collection method: clinical testing. Allele origin: germline. Affected: yes.
Comment: A variant of uncertain significance has been identified in the TSC2 gene. The G402V variant has not been published as a pathogenic variant, nor has it been reported as a benign variant to our knowledge. It was not observed in approximately 6,500 individuals of European and African American ancestry in the NHLBI Exome Sequencing Project, indicating it is not a common benign variant in these populations. This substitution occurs at a position that is conserved across species. In silico analysis predicts this variant is probably damaging to the proteinstructure/function. However, the G402V variant is a conservative amino acid substitution, which is not likely to impact secondary protein structure as these residues share similar properties. Additionally, this substitution does not occur within known functional domains of the tuberin protein, where many pathogenic missense variants have been identified (Northrup et al., 2011; Au et al., 2007). Therefore, based on the currently available information, it is unclear whether this variant is a pathogenic variant or a rare benign variant.

NM_000548.5(TSC2):c.1205G>T (p.Gly402Val)

Gene: TSC2 (TSC complex subunit 2; plus strand). Cytogenetic location: 16p13.3.
Variant type: single nucleotide variant.
Coding change: c.1205G>T on transcript NM_000548.5 (MANE Select); coding-DNA position 1205, G replaced by T.
Protein change: p.Gly402Val; replaces glycine 402 with valine.
Molecular consequence: missense variant.
Genome position (GRCh38, 1-based): chr16:2,061,956, G>T. VCF-style: chr16-2061956-G-T. GRCh37 (hg19) VCF-style: chr16-2111957-G-T.
Other names: c.605G>T, p.Gly202Val (NM_001318831.2); c.1238G>T, p.Gly413Val (NM_001318832.2); c.1205G>T, p.Gly402Val (NM_001077183.3, NM_001114382.3, NM_001363528.2 and 3 more transcripts); c.1094G>T, p.Gly365Val (NM_001318827.2); c.1058G>T, p.Gly353Val (NM_001318829.2); short protein forms G402V, G353V, G413V, G365V, G202V.
Identifiers: ClinVar variation 449637 (VCV000449637.9), dbSNP rs777172185, ClinGen allele CA394320844.